The following is an entry in ClinVar:

ClinVar aggregate classification (germline): Benign. Review status: criteria provided, multiple submitters, no conflicts (2 of 4 stars). 9 submissions from 9 submitters: Benign (9). Last evaluated 2026-02-01.

Conditions:
Usher syndrome type 2C. Also called: Usher syndrome, type 2B; USHER SYNDROME, TYPE IIC. Identifiers: Orphanet 231178, Orphanet 886, MedGen C2931213, MONDO:0011558, OMIM 605472.

Allele frequency attached by ClinVar (database versions not stated): 1000 Genomes Project 0.01538; gnomAD 0.01542 and 0.01665; TOPMed 0.01731; ESP Exome Variant Server 0.01566; 1000 Genomes Project 30x 0.01608.
gnomAD v4.1: 4,458 of 1,594,538 alleles (0.28%); highest among the groups gnomAD compares: African/African-American, 5.2%; 102 homozygotes.

Submissions (9):

Labcorp Genetics (formerly Invitae), Labcorp
Classification: Benign. Last evaluated: 2026-02-01. Review status: criteria provided, single submitter. Criteria: Invitae Variant Classification Sherloc (09022015). Collection method: clinical testing. Allele origin: germline.

Athena Diagnostics
Classification: Benign. Last evaluated: 2024-12-09. Review status: criteria provided, single submitter. Criteria: Athena Diagnostics Criteria. Collection method: clinical testing. Allele origin: unknown.
Comment: The frequency of this variant in the general population is higher than would generally be expected for pathogenic variants in this gene.

ARUP Laboratories, Molecular Genetics and Genomics, ARUP Laboratories
Classification: Benign. Last evaluated: 2021-09-08. Review status: criteria provided, single submitter. Criteria: ARUP Molecular Germline Variant Investigation Process 2021. Collection method: clinical testing. Allele origin: germline.

Mayo Clinic Laboratories, Mayo Clinic
Classification: Benign. Last evaluated: 2020-10-05. Review status: criteria provided, single submitter. Criteria: ACMG Guidelines, 2015. Collection method: clinical testing. Allele origin: germline. Observed: 3 variant alleles.

Illumina Laboratory Services, Illumina
Classification: Benign for Usher syndrome type 2C. Last evaluated: 2018-01-13. Review status: criteria provided, single submitter. Criteria: ICSL Variant Classification Criteria 13 December 2019. Collection method: clinical testing. Allele origin: germline.
Comment: This variant was observed in the ICSL laboratory as part of a predisposition screen in an ostensibly healthy population. It had not been previously curated by ICSL or reported in the Human Gene Mutation Database (HGMD: prior to June 1st, 2018), and was therefore a candidate for classification through an automated scoring system. Utilizing variant allele frequency, disease prevalence and penetrance estimates, and inheritance mode, an automated score was calculated to assess if this variant is too frequent to cause the disease. Based on the score and internal cut-off values, a variant classified as benign is not then subjected to further curation. The score for this variant resulted in a classification of benign for this disease.

Center for Pediatric Genomic Medicine, Children's Mercy Hospital and Clinics
Classification: Benign. Last evaluated: 2016-12-30. Review status: criteria provided, single submitter. Criteria: ACMG Guidelines, 2015. Collection method: clinical testing. Allele origin: germline.

GeneDx
Classification: Benign. Last evaluated: 2016-10-27. Review status: criteria provided, single submitter. Criteria: GeneDx Variant Classification (06012015). Collection method: clinical testing. Allele origin: germline. Affected: yes.
Comment: This variant is considered likely benign or benign based on one or more of the following criteria: it is a conservative change, it occurs at a poorly conserved position in the protein, it is predicted to be benign by multiple in silico algorithms, and/or has population frequency not consistent with disease.

Laboratory for Molecular Medicine, Mass General Brigham Personalized Medicine
Classification: Benign. Last evaluated: 2012-05-07. Review status: criteria provided, single submitter. Criteria: LMM Criteria. Collection method: clinical testing. Allele origin: germline. Observed: 13 variant alleles.
Comment: 2735-10C>A in Intron 14 of GPR98: This variant is not expected to have clinical significance because it has been identified in 4.8% (145/3004) of African Americ an chromosomes from a broad population by the NHLBI Exome Sequencing Project (dbSNP rs78625945).

PreventionGenetics, part of Exact Sciences
Classification: Benign. Review status: criteria provided, single submitter. Criteria: ACMG Guidelines, 2015. Collection method: clinical testing. Allele origin: germline.

NM_032119.4(ADGRV1):c.2735-10C>A

Gene: ADGRV1 (adhesion G protein-coupled receptor V1; plus strand). Cytogenetic location: 5q14.3.
Variant type: single nucleotide variant.
Coding change: c.2735-10C>A on transcript NM_032119.4 (MANE Select); 10 bases into the intron before coding-DNA position 2735, C replaced by A.
Molecular consequence: intron variant.
Genome position (GRCh38, 1-based): chr5:90,644,696, C>A. VCF-style: chr5-90644696-C-A. GRCh37 (hg19) VCF-style: chr5-89940513-C-A.
Other names: p.?.
Identifiers: ClinVar variation 46308 (VCV000046308.31), dbSNP rs78625945, ClinGen allele CA138093.
Genomic context (GRCh38, chr5:90,644,696, plus strand): 5'-GATTTCTTTACTCATCATTTTAAAAGTTTCGTATGTCTTCATATGTATTATGTATGTTTC[C>A]ATTTCACAGCTGTTTATGATGTAGTAAGAAATCGAGGCAACTTTGGTGATGTTAGTGTAT-3'